The following is an entry in ClinVar:

NM_000718.4(CACNA1B):c.390+1_390+2insACGACACGGAGCCCTATTTCATCGGGATCTTTTGCTTCGAGGCAGGGATCAAAATCATCGCTCTGGGCTTTGTCTTCCACAAGGGCTC

Genes: CACNA1B (calcium voltage-gated channel subunit alpha1 B; plus strand), CACNA1B-AS2 (CACNA1B antisense RNA 2; minus strand). Cytogenetic location: 9q34.3.
Variant type: Insertion.
Coding change: c.390+1_390+2insACGACACGGAGCCCTATTTCATCGGGATCTTTTGCTTCGAGGCAGGGATCAAAATCATCGCTCTGGGCTTTGTCTTCCACAAGGGCTC on transcript NM_000718.4 (MANE Select); the canonical splice donor site of the intron after coding-DNA position 390, ACGACACGGAGCCCTATTTCATCGGGATCTTTTGCTTCGAGGCAGGGATCAAAATCATCGCTCTGGGCTTTGTCTTCCACAAGGGCTC inserted.
Molecular consequence: splice donor variant.
Genome position: GRCh38: chr9:137,879,160-137,879,161. GRCh37 (hg19): chr9:140,773,612-140,773,613.
Other names: c.390+1_390+2insACGACACGGAGCCCTATTTCATCGGGATCTTTTGCTTCGAGGCAGGGATCAAAATCATCGCTCTGGGCTTTGTCTTCCACAAGGGCTC (NM_001243812.2).
Identifiers: ClinVar variation 2017861 (VCV002017861.1), dbSNP rs370237172, ClinGen allele CA591258997.

ClinVar aggregate classification (germline): Uncertain significance (1 of 4 stars; one submission).

Submission:

Labcorp Genetics (formerly Invitae), Labcorp
Classification: Uncertain significance. Last evaluated: 2022-06-28. Review status: criteria provided, single submitter. Criteria: Invitae Variant Classification Sherloc (09022015). Collection method: clinical testing. Allele origin: germline.
Comment: This sequence change falls in intron 2 of the CACNA1B gene. It does not directly change the encoded amino acid sequence of the CACNA1B protein. It affects a nucleotide within the consensus splice site. The frequency data for this variant in the population databases is considered unreliable, as metrics indicate poor data quality at this position in the gnomAD database. This variant has not been reported in the literature in individuals affected with CACNA1B-related conditions. Variants that disrupt the consensus splice site are a relatively common cause of aberrant splicing (PMID: 17576681, 9536098). Algorithms developed to predict the effect of sequence changes on RNA splicing suggest that this variant may disrupt the consensus splice site. In summary, the available evidence is currently insufficient to determine the role of this variant in disease. Therefore, it has been classified as a Variant of Uncertain Significance.

Literature cited by the submitters: PubMed 17576681; PubMed 9536098.